The following is an entry in ClinVar:

ClinVar aggregate classification (germline): Benign/Likely benign. Review status: criteria provided, multiple submitters, no conflicts (2 of 4 stars). 6 submissions from 6 submitters: Benign (1); Likely benign (4). 1 of the submissions does not count toward it. Last evaluated 2026-02-23.

Conditions:
Cardiovascular phenotype. Identifiers: MedGen CN230736.
Brugada syndrome. Also called: Sudden unexpected nocturnal death syndrome; Sudden unexplained nocturnal death syndrome; Sudden Unexplained Death Syndrome; Sudden Unexplained Nocturnal Death Syndrome (SUNDS). Identifiers: Orphanet 130, MedGen C1142166, MONDO:0015263.
SCN10A-related disorder. Also called: SCN10A-related condition.

Allele frequency attached by ClinVar (database versions not stated): TOPMed 0.00006; gnomAD 0.00007 and 0.00013; ESP Exome Variant Server 0.00008; 1000 Genomes Project 30x 0.00031; 1000 Genomes Project 0.00040; gnomAD exomes 0.00059; ExAC 0.00066.
gnomAD v4.1: 499 of 1,614,190 alleles (0.031%); highest among the groups gnomAD compares: South Asian, 0.37%; 6 homozygotes.

Submissions (6):

Women's Health and Genetics/Laboratory Corporation of America, LabCorp
Classification: Likely benign. Last evaluated: 2026-02-23. Review status: criteria provided, single submitter. Criteria: LabCorp Variant Classification Summary - May 2015. Collection method: clinical testing. Allele origin: germline.
Comment: Variant summary: SCN10A c.1949T>A (p.Met650Lys) results in a non-conservative amino acid change in the encoded protein sequence. Algorithms developed to predict the effect of missense changes on protein structure and function are either unavailable or do not agree on the potential impact of this missense change. The variant allele was found at a frequency of 0.00059 in 251406 control chromosomes in the gnomAD database, including 2 homozygotes. The observed variant frequency exceeds the estimated maximal expected allele frequency for disease-causing variants in SCN10A. At least one publication reports experimental evidence evaluating an impact on protein function, however, does not allow convincing conclusions about the variant effect. The following publication have been ascertained in the context of this evaluation (PMID: 27598514). ClinVar contains an entry for this variant (Variation ID: 391119). Based on the evidence outlined above, the variant was classified as likely benign.

Labcorp Genetics (formerly Invitae), Labcorp
Classification: Benign for Brugada syndrome. Last evaluated: 2025-11-01. Review status: criteria provided, single submitter. Criteria: Invitae Variant Classification Sherloc (09022015). Collection method: clinical testing. Allele origin: germline.

Blueprint Genetics
Classification: Likely benign. Last evaluated: 2024-11-21. Review status: criteria provided, single submitter. Criteria: ACMG Guidelines, 2015. Collection method: clinical testing. Allele origin: germline.

Ambry Genetics
Classification: Likely benign for Cardiovascular phenotype. Last evaluated: 2020-03-28. Review status: criteria provided, single submitter. Criteria: Ambry Variant Classification Scheme 2023. Collection method: clinical testing. Allele origin: germline.

GeneDx
Classification: Likely benign. Last evaluated: 2019-01-17. Review status: criteria provided, single submitter. Criteria: GeneDx Variant Classification Process June 2021. Collection method: clinical testing. Allele origin: germline. Affected: yes.
Comment: This variant is associated with the following publications: (PMID: 28150151, 27598514)

PreventionGenetics, part of Exact Sciences
Classification: Likely benign for SCN10A-related condition. Last evaluated: 2019-10-14. Review status: no assertion criteria provided. Collection method: clinical testing. Allele origin: germline. Not counted in ClinVar's aggregate classification.
Comment: This variant is classified as likely benign based on ACMG/AMP sequence variant interpretation guidelines (Richards et al. 2015 PMID: 25741868, with internal and published modifications).

Literature cited by the submitters: PubMed 27598514 (cited by Women's Health and Genetics/Laboratory Corporation of America, LabCorp).

NM_006514.4(SCN10A):c.1949T>A (p.Met650Lys)

Gene: SCN10A (sodium voltage-gated channel alpha subunit 10; minus strand). Cytogenetic location: 3p22.2.
Variant type: single nucleotide variant.
Coding change: c.1949T>A on transcript NM_006514.4 (MANE Select); coding-DNA position 1949, T replaced by A.
Protein change: p.Met650Lys; replaces methionine 650 with lysine.
Molecular consequence: missense variant.
Genome position (GRCh38, 1-based): chr3:38,742,448, A>T on the plus strand (T>A on the coding strand, the complement: SCN10A is on the minus strand). VCF-style: chr3-38742448-A-T. GRCh37 (hg19) VCF-style: chr3-38783939-A-T.
Other names: c.1949T>A, p.Met650Lys (NM_001293306.2); c.1655T>A, p.Met552Lys (NM_001293307.2); short protein forms M650K, M552K.
Identifiers: ClinVar variation 391119 (VCV000391119.19), dbSNP rs201698323, ClinGen allele CA2320688.
Genomic context (GRCh38, chr3:38,742,448, plus strand): 5'-GTGAGCTCTGCAAAGGGATCCGTCACAAGCCCAAAGAGAATTGTCTTGAGCTTCACCCAC[A>T]TGGGGCAGCAATCCCAGATCAGATACTTCTGAGACAAGCTGGTCAAGCAGGGTGGGCACT-3'
Protein context (NP_006505.4, residues 640-660): QKYLIWDCCP[Met650Lys]WVKLKTILFG